The following is an entry in ClinVar:

NM_014319.5(LEMD3):c.64_65delinsGC (p.Arg22Ala)

Gene: LEMD3 (LEM domain containing 3; plus strand). Cytogenetic location: 12q14.3.
Variant type: Indel.
Coding change: c.64_65delinsGC on transcript NM_014319.5 (MANE Select); coding-DNA positions 64 to 65, CG replaced by GC.
Protein change: p.Arg22Ala; replaces arginine 22 with alanine.
Molecular consequence: missense variant.
Genome position (GRCh38, 1-based): chr12:65,169,660-65,169,661, CG replaced by GC. VCF-style: chr12-65169660-CG-GC. GRCh37 (hg19) VCF-style: chr12-65563440-CG-GC.
Other names: c.64_65delinsGC, p.Arg22Ala (NM_001167614.2); short protein forms R22A.
Identifiers: ClinVar variation 1438394 (VCV001438394.8), dbSNP rs2136312137, ClinGen allele CA2573148961.

ClinVar aggregate classification (germline): Uncertain significance (1 of 4 stars; one submission).

Submission:

Labcorp Genetics (formerly Invitae), Labcorp
Classification: Uncertain significance. Last evaluated: 2025-12-17. Review status: criteria provided, single submitter. Criteria: Invitae Variant Classification Sherloc (09022015). Collection method: clinical testing. Allele origin: germline.
Comment: This sequence change replaces arginine, which is basic and polar, with alanine, which is neutral and non-polar, at codon 22 of the LEMD3 protein (p.Arg22Ala). This variant is present in population databases (no rsID available, gnomAD 0.004%). This variant has not been reported in the literature in individuals affected with LEMD3-related conditions. ClinVar contains an entry for this variant (Variation ID: 1438394). An algorithm developed to predict the effect of missense changes on protein structure and function (PolyPhen-2) suggests that this variant is likely to be disruptive. In summary, the available evidence is currently insufficient to determine the role of this variant in disease. Therefore, it has been classified as a Variant of Uncertain Significance.